The following is an entry in ClinVar:

ClinVar aggregate classification (germline): Uncertain significance (1 of 4 stars; one submission).

Conditions:
Sulfite oxidase deficiency due to molybdenum cofactor deficiency type A. Also called: Molybdenum Cofactor Deficiency A; Molybdenum cofactor deficiency, complementation group A. Identifiers: Orphanet 308386, Orphanet 833, MedGen C1854988, MONDO:0009643, OMIM 252150.

Allele frequency attached by ClinVar (database versions not stated): gnomAD exomes 0.00001; ExAC 0.00002.
gnomAD v4.1: 7 of 1,613,852 alleles (0.00043%); highest among the groups gnomAD compares: East Asian, 0.0022%; no homozygotes.

Submission:

Labcorp Genetics (formerly Invitae), Labcorp
Classification: Uncertain significance for Sulfite oxidase deficiency due to molybdenum cofactor deficiency type A. Last evaluated: 2022-08-22. Review status: criteria provided, single submitter. Criteria: Invitae Variant Classification Sherloc (09022015). Collection method: clinical testing. Allele origin: germline.
Comment: In summary, the available evidence is currently insufficient to determine the role of this variant in disease. Therefore, it has been classified as a Variant of Uncertain Significance. Algorithms developed to predict the effect of missense changes on protein structure and function are either unavailable or do not agree on the potential impact of this missense change (SIFT: "Not Available"; PolyPhen-2: "Probably Damaging"; Align-GVGD: "Not Available"). ClinVar contains an entry for this variant (Variation ID: 1385100). This variant has not been reported in the literature in individuals affected with MOCS1-related conditions. This variant is present in population databases (rs772980797, gnomAD 0.006%). This sequence change replaces isoleucine with threonine at codon 151 of the MOCS1 protein (p.Ile151Thr). The isoleucine residue is highly conserved and there is a moderate physicochemical difference between isoleucine and threonine.

NM_001358530.2(MOCS1):c.452T>C (p.Ile151Thr)

Gene: MOCS1 (molybdenum cofactor synthesis 1; minus strand). Cytogenetic location: 6p21.2.
Variant type: single nucleotide variant.
Coding change: c.452T>C on transcript NM_001358530.2 (MANE Select); coding-DNA position 452, T replaced by C.
Protein change: p.Ile151Thr; replaces isoleucine 151 with threonine.
Molecular consequence: missense variant. On other transcripts: non-coding transcript variant (1).
Genome position (GRCh38, 1-based): chr6:39,916,199, A>G on the plus strand (T>C on the coding strand, the complement: MOCS1 is on the minus strand). VCF-style: chr6-39916199-A-G. GRCh37 (hg19) VCF-style: chr6-39883943-A-G.
Other names: c.452T>C, p.Ile151Thr (NM_001075098.4, NM_001358529.2, NM_005943.6); c.191T>C, p.Ile64Thr (NM_001358531.2, NM_001358533.2, NM_001358534.2); short protein forms I151T, I64T.
Identifiers: ClinVar variation 1385100 (VCV001385100.6), dbSNP rs772980797, ClinGen allele CA3796271.